The following is an entry in ClinVar:

NM_201384.3(PLEC):c.2613-7C>A

Gene: PLEC (plectin; minus strand). Cytogenetic location: 8q24.3.
Variant type: single nucleotide variant.
Coding change: c.2613-7C>A on transcript NM_201384.3 (MANE Select); 7 bases into the intron before coding-DNA position 2613, C replaced by A.
Molecular consequence: intron variant.
Genome position (GRCh38, 1-based): chr8:143,930,069, G>T on the plus strand (C>A on the coding strand, the complement: PLEC is on the minus strand). VCF-style: chr8-143930069-G-T. GRCh37 (hg19) VCF-style: chr8-145004237-G-T.
Other names: p.?; c.2694-7C>A (NM_000445.5); c.2571-7C>A (NM_201378.4); c.2547-7C>A (NM_201379.3); c.3024-7C>A (NM_201380.4); c.2517-7C>A (NM_201381.3); c.2613-7C>A (NM_201382.4); c.2625-7C>A (NM_201383.3).
Identifiers: ClinVar variation 129940 (VCV000129940.20), dbSNP rs11990994, ClinGen allele CA154491.
Genomic context (GRCh38, chr8:143,930,069, plus strand): 5'-TCCACGTGCAACTGGTGCCACAGCGTGACCAGGGCCTGGTGCTGGGCCTCCAGCCTGGCA[G>T]GTCAGGGCTACAGTCAGCGTCACCAGCGCCCCACCCGCCTTCCAGCCCCCACCTGCTGAG-3'

ClinVar aggregate classification (germline): Benign. Review status: criteria provided, multiple submitters, no conflicts (2 of 4 stars). 6 submissions from 6 submitters: Benign (5). 1 of the submissions does not count toward it. Last evaluated 2026-02-03.

Conditions:
Epidermolysis bullosa simplex 5C, with pyloric atresia (EBS5C). Also called: PLEC-Related Epidermolysis Bullosa with Pyloric Atresia; Epidermolysis bullosa simplex with pyloric atresia; PLEC1-Related Epidermolysis Bullosa with Pyloric Atresia. Identifiers: Orphanet 158684, MedGen C2677349, MONDO:0012807, OMIM 612138.
Autosomal recessive limb-girdle muscular dystrophy type 2Q (LGMDR17). Also called: MUSCULAR DYSTROPHY, LIMB-GIRDLE, AUTOSOMAL RECESSIVE 17. Identifiers: Orphanet 254361, MedGen C3150989, MONDO:0013390, OMIM 613723.
Epidermolysis bullosa simplex with nail dystrophy (EBS5D). Identifiers: MedGen C4225309, MONDO:0014661, OMIM 616487.
Epidermolysis bullosa simplex 5B, with muscular dystrophy (EBS5B). Also called: Epidermolysis bullosa simplex with muscular dystrophy; EPIDERMOLYSIS BULLOSA SIMPLEX AND LIMB-GIRDLE MUSCULAR DYSTROPHY. Identifiers: Orphanet 257, MedGen C2931072, MONDO:0009181, OMIM 226670.
Epidermolysis bullosa simplex, Ogna type (EBS5A). Also called: Pidermolysis bullosa simplex 5A, Ogna type; EPIDERMOLYSIS BULLOSA SIMPLEX 5A, OGNA TYPE. Identifiers: Orphanet 79401, MedGen C0432317, MONDO:0007555, OMIM 131950.

Allele frequency attached by ClinVar (database versions not stated): 1000 Genomes Project 0.04413; gnomAD 0.04485 and 0.04852; 1000 Genomes Project 30x 0.04669; TOPMed 0.04940; ESP Exome Variant Server 0.05270.
gnomAD v4.1: 13,460 of 1,609,706 alleles (0.84%); highest among the groups gnomAD compares: African/African-American, 16%; 1,008 homozygotes.

Submissions (6):

Labcorp Genetics (formerly Invitae), Labcorp
Classification: Benign for Autosomal recessive limb-girdle muscular dystrophy type 2Q; Epidermolysis bullosa simplex, Ogna type; Epidermolysis bullosa simplex with nail dystrophy; Epidermolysis bullosa simplex 5C, with pyloric atresia; Epidermolysis bullosa simplex 5B, with muscular dystrophy. Last evaluated: 2026-02-03. Review status: criteria provided, single submitter. Criteria: Invitae Variant Classification Sherloc (09022015). Collection method: clinical testing. Allele origin: germline.

Mayo Clinic Laboratories, Mayo Clinic
Classification: Benign. Last evaluated: 2018-07-10. Review status: criteria provided, single submitter. Criteria: ACMG Guidelines, 2015. Collection method: clinical testing. Allele origin: germline. Observed: 41 variant alleles.

GeneDx
Classification: Benign. Last evaluated: 2016-05-24. Review status: criteria provided, single submitter. Criteria: GeneDx Variant Classification (06012015). Collection method: clinical testing. Allele origin: germline. Affected: yes.
Comment: This variant is considered likely benign or benign based on one or more of the following criteria: it is a conservative change, it occurs at a poorly conserved position in the protein, it is predicted to be benign by multiple in silico algorithms, and/or has population frequency not consistent with disease.

Laboratory for Molecular Medicine, Mass General Brigham Personalized Medicine
Classification: Benign. Last evaluated: 2015-01-13. Review status: criteria provided, single submitter. Criteria: LMM Criteria. Collection method: clinical testing. Allele origin: germline. Observed: 1 variant allele.
Comment: c.3024-7C>A in intron 21 of PLEC: This variant is not expected to have clinical significance because it has been identified in 15.4% (678/4390) of African Ameri can chromosomes from a broad population by the NHLBI Exome Sequencing Project (dbSNP rs11990994).

Breakthrough Genomics
Classification: Benign. Review status: criteria provided, single submitter. Criteria: ACMG Guidelines, 2015. Collection method: not provided. Allele origin: germline. Inheritance: Autosomal recessive inheritance. Affected: yes.

Genetic Services Laboratory, University of Chicago
Classification: Likely benign for AllHighlyPenetrant. Review status: no assertion criteria provided. Collection method: clinical testing. Allele origin: germline. Inheritance: Autosomal recessive inheritance. Not counted in ClinVar's aggregate classification.
Comment: Likely benign based on allele frequency in 1000 Genomes Project or ESP global frequency and its presence in a patient with a rare or unrelated disease phenotype. NOT Sanger confirmed.